The following is an entry in ClinVar:

NM_017849.4(TMEM127):c.125C>G (p.Thr42Arg)

Genes: TMEM127 (transmembrane protein 127; minus strand), LOC129934333 (ATAC-STARR-seq lymphoblastoid silent region 11759; plus strand). Cytogenetic location: 2q11.2.
Variant type: single nucleotide variant.
Coding change: c.125C>G on transcript NM_017849.4 (MANE Select); coding-DNA position 125, C replaced by G.
Protein change: p.Thr42Arg; replaces threonine 42 with arginine.
Molecular consequence: missense variant.
Genome position (GRCh38, 1-based): chr2:96,265,257, G>C on the plus strand (C>G on the coding strand, the complement: TMEM127 is on the minus strand). VCF-style: chr2-96265257-G-C. GRCh37 (hg19) VCF-style: chr2-96930995-G-C.
Other names: c.125C>G, p.Thr42Arg (NM_001193304.3); c.125C>G (NM_017849.3); short protein forms T42R.
Identifiers: ClinVar variation 1481557 (VCV001481557.7), dbSNP rs1684392400, ClinGen allele CA347656065.

ClinVar aggregate classification (germline): Uncertain significance. Review status: criteria provided, multiple submitters, no conflicts (2 of 4 stars). 2 submissions from 2 submitters: Uncertain significance (2). Last evaluated 2024-04-22.

Conditions:
Hereditary pheochromocytoma and paraganglioma. Also called: Hereditary paragangliomas and pheochromocytomas; Hereditary Paraganglioma-Pheochromocytoma Syndromes; Hereditary pheochromocytoma-paraganglioma. Identifiers: Orphanet 29072, MedGen C4274332, MONDO:0017366.

Submissions (2):

GeneDx
Classification: Uncertain significance. Last evaluated: 2024-04-22. Review status: criteria provided, single submitter. Criteria: GeneDx Variant Classification Process June 2021. Collection method: clinical testing. Allele origin: germline. Affected: yes.
Comment: Not observed at significant frequency in large population cohorts (gnomAD); In silico analysis supports that this missense variant has a deleterious effect on protein structure/function; Has not been previously published as pathogenic or benign to our knowledge

Labcorp Genetics (formerly Invitae), Labcorp
Classification: Uncertain significance for Hereditary pheochromocytoma and paraganglioma. Last evaluated: 2021-10-13. Review status: criteria provided, single submitter. Criteria: Invitae Variant Classification Sherloc (09022015). Collection method: clinical testing. Allele origin: germline.
Comment: In summary, the available evidence is currently insufficient to determine the role of this variant in disease. Therefore, it has been classified as a Variant of Uncertain Significance. Algorithms developed to predict the effect of sequence changes on RNA splicing suggest that this variant may create or strengthen a splice site. Algorithms developed to predict the effect of missense changes on protein structure and function (SIFT, PolyPhen-2, Align-GVGD) all suggest that this variant is likely to be tolerated. This variant has not been reported in the literature in individuals affected with TMEM127-related conditions. This variant is not present in population databases (ExAC no frequency). This sequence change replaces threonine with arginine at codon 42 of the TMEM127 protein (p.Thr42Arg). The threonine residue is highly conserved and there is a moderate physicochemical difference between threonine and arginine.